The following is an entry in ClinVar:

ClinVar aggregate classification (germline): Conflicting classifications of pathogenicity. Review status: criteria provided, conflicting classifications (1 of 4 stars). 3 submissions from 3 submitters: Uncertain significance (2); Likely benign (1). Last evaluated 2025-04-14.

Conditions:
Hereditary cancer-predisposing syndrome. Also called: Neoplastic Syndromes, Hereditary; Tumor predisposition; Hereditary Cancer Syndrome; Hereditary neoplastic syndrome. Identifiers: Orphanet 140162, MedGen C0027672, MeSH D009386, MONDO:0015356.
Hereditary breast ovarian cancer syndrome. Also called: Hereditary breast and ovarian cancer syndrome; Hereditary breast and ovarian cancer; Hereditary breast and ovarian cancer syndrome (HBOC); Breast and ovarian cancer; Hereditary breast and/or ovarian cancer syndrome; BRCA1- and BRCA2-Associated Hereditary Breast and Ovarian Cancer. Identifiers: Orphanet 145, MedGen C0677776, MeSH D061325, MONDO:0003582. Disease mechanism: loss of function.

Allele frequency attached by ClinVar (database versions not stated): gnomAD exomes 0.00001.
gnomAD v4.1: 7 of 1,614,044 alleles (0.00043%); highest among the groups gnomAD compares: Non-Finnish European, 0.00059%; no homozygotes.

Submissions (3):

Ambry Genetics
Classification: Uncertain significance for Hereditary cancer-predisposing syndrome. Last evaluated: 2025-04-14. Review status: criteria provided, single submitter. Criteria: Ambry Variant Classification Scheme 2023. Collection method: clinical testing. Allele origin: germline.
Comment: The p.K918Q variant (also known as c.2752A>C), located in coding exon 9 of the BRCA1 gene, results from an A to C substitution at nucleotide position 2752. The lysine at codon 918 is replaced by glutamine, an amino acid with similar properties. This variant was detected in a high or moderate risk breast/ovarian cancer family (Al-Mulla F et al. J. Clin. Pathol. 2009 Apr;62:350-6). This amino acid position is not well conserved in available vertebrate species. In addition, the in silico prediction for this alteration is inconclusive. Based on the available evidence, the clinical significance of this variant remains unclear.

University of Washington Department of Laboratory Medicine, University of Washington
Classification: Likely benign for Hereditary cancer-predisposing syndrome. Last evaluated: 2023-03-23. Review status: criteria provided, single submitter. Criteria: Dines et al. (Genet Med. 2020). Collection method: curation. Allele origin: germline.
Comment: Missense variant in a coldspot region where missense variants are very unlikely to be pathogenic (PMID:31911673).

BRCA1 coldspot (exon 11 using historical exon numbering). Reclassification based on statistical prior probability

Labcorp Genetics (formerly Invitae), Labcorp
Classification: Uncertain significance for Hereditary breast ovarian cancer syndrome. Last evaluated: 2022-02-17. Review status: criteria provided, single submitter. Criteria: Invitae Variant Classification Sherloc (09022015). Collection method: clinical testing. Allele origin: germline.
Comment: This sequence change replaces lysine, which is basic and polar, with glutamine, which is neutral and polar, at codon 918 of the BRCA1 protein (p.Lys918Gln). This variant is not present in population databases (gnomAD no frequency). This missense change has been observed in individual(s) with personal and/or family history of breast and ovarian cancer (PMID: 19329713). This variant is also known as 2871A>C. ClinVar contains an entry for this variant (Variation ID: 54671). Advanced modeling of protein sequence and biophysical properties (such as structural, functional, and spatial information, amino acid conservation, physicochemical variation, residue mobility, and thermodynamic stability) performed at Invitae indicates that this missense variant is not expected to disrupt BRCA1 protein function. In summary, the available evidence is currently insufficient to determine the role of this variant in disease. Therefore, it has been classified as a Variant of Uncertain Significance.

Literature cited by the submitters: PubMed 19329713 (cited by Ambry Genetics and Labcorp Genetics (formerly Invitae), Labcorp).

NM_007294.4(BRCA1):c.2752A>C (p.Lys918Gln)

Gene: BRCA1 (BRCA1 DNA repair associated; minus strand). Cytogenetic location: 17q21.31.
Variant type: single nucleotide variant.
Coding change: c.2752A>C on transcript NM_007294.4 (MANE Select); coding-DNA position 2752, A replaced by C.
Protein change: p.Lys918Gln; replaces lysine 918 with glutamine.
Molecular consequence: missense variant. On other transcripts: intron variant (137).
Genome position (GRCh38, 1-based): chr17:43,092,779, T>G on the plus strand (A>C on the coding strand, the complement: BRCA1 is on the minus strand). VCF-style: chr17-43092779-T-G. GRCh37 (hg19) VCF-style: chr17-41244796-T-G.
Other names: c.2752A>C, p.Lys918Gln (NM_001407639.1, NM_001407640.1, NM_001407641.1 and 30 more transcripts); c.2749A>C, p.Lys917Gln (NM_001407644.1, NM_001407645.1, NM_001407860.1 and 22 more transcripts); c.2743A>C, p.Lys915Gln (NM_001407646.1, NM_001407647.1); c.2629A>C, p.Lys877Gln (NM_001407648.1, NM_001407664.1, NM_001407665.1 and 19 more transcripts); c.2626A>C, p.Lys876Gln (NM_001407649.1, NM_001407670.1, NM_001407671.1 and 11 more transcripts); c.2674A>C, p.Lys892Gln (NM_001407653.1, NM_001407654.1, NM_001407655.1 and 4 more transcripts); c.2671A>C, p.Lys891Gln (NM_001407659.1, NM_001407660.1, NM_001407661.1 and 1 more transcripts); c.2611A>C, p.Lys871Gln (NM_001407692.1, NM_001407694.1, NM_001407695.1 and 29 more transcripts); and 41 more; short protein forms K918Q, K871Q, K622Q, K791Q, K829Q, K847Q, K790Q, K807Q.
Identifiers: ClinVar variation 54671 (VCV000054671.15), dbSNP rs397509010, ClinGen allele CA001813.